The following is an entry in ClinVar:

ClinVar aggregate classification (germline): Benign/Likely benign. Review status: criteria provided, multiple submitters, no conflicts (2 of 4 stars). 2 submissions from 2 submitters: Benign (1); Likely benign (1). Last evaluated 2026-04-24.

Conditions:
Colorectal cancer, susceptibility to, 1. Also called: COLORECTAL ADENOMA AND CANCER, SUSCEPTIBILITY TO; COLORECTAL CANCER, SUSCEPTIBILITY TO, ON CHROMOSOME 9. Identifiers: MedGen C1837315, MONDO:0012132, OMIM 608812.

Submissions (2):

Myriad Genetics, Inc.
Classification: Benign for Colorectal cancer, susceptibility to, 1. Last evaluated: 2026-04-24. Review status: criteria provided, single submitter. Criteria: Myriad Autosomal Dominant, Autosomal Recessive and X-Linked Classification Criteria (2023). Collection method: clinical testing. Allele origin: unknown.
Comment: This variant is considered benign. This variant is a silent/synonymous amino acid change and it is not expected to impact splicing.

Labcorp Genetics (formerly Invitae), Labcorp
Classification: Likely benign. Last evaluated: 2022-09-15. Review status: criteria provided, single submitter. Criteria: Invitae Variant Classification Sherloc (09022015). Collection method: clinical testing. Allele origin: germline.

NM_024642.5(GALNT12):c.924A>G (p.Pro308=)

Gene: GALNT12 (polypeptide N-acetylgalactosaminyltransferase 12; plus strand). Cytogenetic location: 9q22.33.
Variant type: single nucleotide variant.
Coding change: c.924A>G on transcript NM_024642.5 (MANE Select); coding-DNA position 924, A replaced by G.
Protein change: p.Pro308=; no amino-acid change (proline 308 retained).
Molecular consequence: synonymous variant.
Genome position (GRCh38, 1-based): chr9:98,835,255, A>G. VCF-style: chr9-98835255-A-G. GRCh37 (hg19) VCF-style: chr9-101597537-A-G.
Identifiers: ClinVar variation 2030747 (VCV002030747.5), dbSNP rs2490527152, ClinGen allele CA466424911.